The following is an entry in ClinVar:

NM_005902.4(SMAD3):c.326G>A (p.Cys109Tyr)

Gene: SMAD3 (SMAD family member 3; plus strand). Cytogenetic location: 15q22.33.
Variant type: single nucleotide variant.
Coding change: c.326G>A on transcript NM_005902.4 (MANE Select); coding-DNA position 326, G replaced by A.
Protein change: p.Cys109Tyr; replaces cysteine 109 with tyrosine.
Molecular consequence: missense variant.
Genome position (GRCh38, 1-based): chr15:67,165,014, G>A. VCF-style: chr15-67165014-G-A. GRCh37 (hg19) VCF-style: chr15-67457352-G-A.
Other names: c.11G>A, p.Cys4Tyr (NM_001145102.2); c.194G>A, p.Cys65Tyr (NM_001145103.2); short protein forms C109Y, C4Y, C65Y.
Identifiers: ClinVar variation 240268 (VCV000240268.8), dbSNP rs878854814, ClinGen allele CA10583258.

ClinVar aggregate classification (germline): Uncertain significance (1 of 4 stars; one submission).

Conditions:
Familial thoracic aortic aneurysm and aortic dissection (TAAD). Also called: Thoracic aortic aneurysms and dissections. Identifiers: Orphanet 91387, MedGen C4707243, MONDO:0019625.

Submission:

Labcorp Genetics (formerly Invitae), Labcorp
Classification: Uncertain significance for Familial thoracic aortic aneurysm and aortic dissection. Last evaluated: 2020-02-07. Review status: criteria provided, single submitter. Criteria: Invitae Variant Classification Sherloc (09022015). Collection method: clinical testing. Allele origin: germline.
Comment: This sequence change replaces cysteine with tyrosine at codon 109 of the SMAD3 protein (p.Cys109Tyr). The cysteine residue is highly conserved and there is a large physicochemical difference between cysteine and tyrosine. This variant is not present in population databases (ExAC no frequency). This variant has not been reported in the literature in individuals with SMAD3-related disease. Algorithms developed to predict the effect of missense changes on protein structure and function do not agree on the potential impact of this missense change (SIFT: "Deleterious"; PolyPhen-2: "Probably Damaging"; Align-GVGD: "Class C0"). In summary, the available evidence is currently insufficient to determine the role of this variant in disease. Therefore, it has been classified as a Variant of Uncertain Significance.